The following is an entry in ClinVar:

NM_001130438.3(SPTAN1):c.4288C>G (p.Leu1430Val)

Gene: SPTAN1 (spectrin alpha, non-erythrocytic 1; plus strand). Cytogenetic location: 9q34.11.
Variant type: single nucleotide variant.
Coding change: c.4288C>G on transcript NM_001130438.3 (MANE Select); coding-DNA position 4288, C replaced by G.
Protein change: p.Leu1430Val; replaces leucine 1430 with valine.
Molecular consequence: missense variant.
Genome position (GRCh38, 1-based): chr9:128,607,993, C>G. VCF-style: chr9-128607993-C-G. GRCh37 (hg19) VCF-style: chr9-131370272-C-G.
Other names: c.4228C>G, p.Leu1410Val (NM_001195532.2, NM_001363765.2); c.4288C>G, p.Leu1430Val (NM_001363759.2, NM_003127.4); short protein forms L1430V, L1410V.
Identifiers: ClinVar variation 390516 (VCV000390516.1), dbSNP rs1057523806, ClinGen allele CA16605362.
Genomic context (GRCh38, chr9:128,607,993, plus strand): 5'-CACTATGCCAGCCCTGAGATCAAGCAGAAACTTGATATTCTTGACCAGGAGCGTGCAGAC[C>G]TGGAGAAGGCCTGGGTTCAGCGCAGGATGATGCTGGATCAGTGCCTTGAACTGCAGGTGT-3'
Protein context (NP_001123910.1, residues 1420-1440): LDILDQERAD[Leu1430Val]EKAWVQRRMM

ClinVar aggregate classification (germline): Likely benign (1 of 4 stars; one submission).

Allele frequency attached by ClinVar (database versions not stated): gnomAD exomes below 0.00001.
gnomAD v4.1: 1 of 1,614,102 alleles (0.000062%); highest among the groups gnomAD compares: African/African-American, 0.0013%; no homozygotes.

Submission:

GeneDx
Classification: Likely benign. Last evaluated: 2017-01-26. Review status: criteria provided, single submitter. Criteria: GeneDx Variant Classification (06012015). Collection method: clinical testing. Allele origin: germline. Affected: yes.
Comment: This variant is considered likely benign or benign based on one or more of the following criteria: it is a conservative change, it occurs at a poorly conserved position in the protein, it is predicted to be benign by multiple in silico algorithms, and/or has population frequency not consistent with disease.